The following is an entry in ClinVar:

ClinVar aggregate classification (germline): Likely benign (0 of 4 stars; one submission).

Conditions:
SEMA3D-related disorder. Also called: SEMA3D-related condition.

Allele frequency attached by ClinVar (database versions not stated): gnomAD 0.00011; ExAC 0.00012; TOPMed 0.00017; 1000 Genomes Project 0.00040; 1000 Genomes Project 30x 0.00047.
gnomAD v4.1: 86 of 1,561,736 alleles (0.0055%); highest among the groups gnomAD compares: East Asian, 0.15%; 2 homozygotes.

Submission:

PreventionGenetics, part of Exact Sciences
Classification: Likely benign for SEMA3D-related condition. Last evaluated: 2022-05-09. Review status: no assertion criteria provided. Collection method: clinical testing. Allele origin: germline.
Comment: This variant is classified as likely benign based on ACMG/AMP sequence variant interpretation guidelines (Richards et al. 2015 PMID: 25741868, with internal and published modifications).

NM_001384900.1(SEMA3D):c.736A>G (p.Thr246Ala)

Gene: SEMA3D (semaphorin 3D; minus strand). Cytogenetic location: 7q21.11.
Variant type: single nucleotide variant.
Coding change: c.736A>G on transcript NM_001384900.1 (MANE Select); coding-DNA position 736, A replaced by G.
Protein change: p.Thr246Ala; replaces threonine 246 with alanine.
Molecular consequence: missense variant.
Genome position (GRCh38, 1-based): chr7:85,055,842, T>C on the plus strand (A>G on the coding strand, the complement: SEMA3D is on the minus strand). VCF-style: chr7-85055842-T-C. GRCh37 (hg19) VCF-style: chr7-84685158-T-C.
Other names: c.736A>G, p.Thr246Ala (NM_001384901.1, NM_001384902.1, NM_001384903.1 and 1 more transcripts); short protein forms T246A.
Identifiers: ClinVar variation 3034863 (VCV003034863.2), dbSNP rs200110536, ClinGen allele CA4323644.